The following is an entry in ClinVar:

ClinVar aggregate classification (germline): Conflicting classifications of pathogenicity. Review status: criteria provided, conflicting classifications (1 of 4 stars). 13 submissions from 12 submitters: Uncertain significance (12); Likely benign (1). Last evaluated 2026-05-14.

Conditions:
Charcot-Marie-Tooth disease. Also called: Charcot-Marie-Tooth Neuropathy; Charcot-Marie-Tooth Hereditary Neuropathy. Identifiers: Orphanet 166, MedGen C0007959, MONDO:0015626.
Susceptibility to mononeuropathy of the median nerve, mild. Also called: CARPAL TUNNEL SYNDROME, SUSCEPTIBILITY TO. Identifiers: MedGen C3150596, MONDO:0013237, OMIM 613353.
Charcot-Marie-Tooth disease type 4. Also called: Charcot-Marie-Tooth disease, type IV; Charcot-Marie-Tooth, Type 4. Identifiers: Orphanet 64749, MedGen C4082197, MONDO:0018995.
Charcot-Marie-Tooth disease type 4C (CMT4C). Also called: CHARCOT-MARIE-TOOTH DISEASE, DEMYELINATING, TYPE 4C; Charcot-Marie-Tooth Neuropathy Type 4C (CMT4C); SH3TC2-Related Hereditary Motor and Sensory Neuropathy; CHARCOT-MARIE-TOOTH DISEASE, DEMYELINATING, AUTOSOMAL RECESSIVE, TYPE 4C; CMT 4C. Identifiers: Orphanet 99949, MedGen C1866636, MONDO:0011113, OMIM 601596.
SH3TC2-related disorder. Also called: SH3TC2-related condition; SH3TC2-related disorders. Identifiers: MedGen CN239303.
Inborn genetic diseases. Identifiers: MedGen C0950123, MeSH D030342.

Allele frequency attached by ClinVar (database versions not stated): 1000 Genomes Project 30x 0.00016; ExAC 0.00034; TOPMed 0.00036; gnomAD 0.00043; ESP Exome Variant Server 0.00054; gnomAD exomes 0.00062 and 0.00031; 1000 Genomes Project 0.00020.
gnomAD v4.1: 974 of 1,614,194 alleles (0.06%); highest among the groups gnomAD compares: Non-Finnish European, 0.078%; no homozygotes.

Submissions (13):

PreventionGenetics, part of Exact Sciences
Classification: Uncertain significance for SH3TC2-related condition. Last evaluated: 2026-05-14. Review status: criteria provided, single submitter. Criteria: ACMG Guidelines, 2015. Collection method: clinical testing. Allele origin: germline.
Comment: The SH3TC2 c.2812C>T variant is predicted to result in the amino acid substitution p.His938Tyr. This variant was reported with a SH3TC2 nonsense variant in an individual with peripheral neuropathy (Table 1, Laššuthová et al. 2016. PubMed ID: 27549087) and in two individuals with Charcot-Marie-Tooth Disease; however, information about the presence or absence of second SH3TC2 variant was not provided (Table S2, Volodarsky et al. 2020. PubMed ID: 32376792). This variant is reported in 0.065% of alleles in individuals of European (non-Finnish) descent in gnomAD. Although we suspect that this variant may be pathogenic, at this time, the clinical significance of this variant is uncertain due to the absence of conclusive functional and genetic evidence.

Labcorp Genetics (formerly Invitae), Labcorp
Classification: Likely benign for Charcot-Marie-Tooth disease type 4. Last evaluated: 2026-01-25. Review status: criteria provided, single submitter. Criteria: Invitae Variant Classification Sherloc (09022015). Collection method: clinical testing. Allele origin: germline.

CeGaT Center for Human Genetics Tuebingen
Classification: Uncertain significance. Last evaluated: 2026-01-01. Review status: criteria provided, single submitter. Criteria: CeGaT Center For Human Genetics Tuebingen Variant Classification Criteria Version 2. Collection method: clinical testing. Allele origin: germline. Affected: yes. Observed: 3 variant alleles.
Comment: SH3TC2: PM2, PM3:Supporting, BP4

Ambry Genetics
Classification: Uncertain significance for Inborn genetic diseases. Last evaluated: 2025-10-07. Review status: criteria provided, single submitter. Criteria: Ambry Variant Classification Scheme 2023. Collection method: clinical testing. Allele origin: germline.

Mayo Clinic Laboratories, Mayo Clinic
Classification: Uncertain significance. Last evaluated: 2025-09-03. Review status: criteria provided, single submitter. Criteria: ACMG Guidelines, 2015. Collection method: clinical testing. Allele origin: germline. Observed: 1 variant allele.
Comment: BP4_moderate, PM2_supporting, PM3

Women's Health and Genetics/Laboratory Corporation of America, LabCorp
Classification: Uncertain significance. Last evaluated: 2025-04-24. Review status: criteria provided, single submitter. Criteria: LabCorp Variant Classification Summary - May 2015. Collection method: clinical testing. Allele origin: germline.
Comment: Variant summary: SH3TC2 c.2812C>T (p.His938Tyr) results in a conservative amino acid change in the encoded protein sequence. Four of five in-silico tools predict a benign effect of the variant on protein function. The variant allele was found at a frequency of 0.00031 in 251384 control chromosomes (gnomAD). c.2812C>T has been observed in individuals affected with SH3TC2-related conditions (example: Lauthov_2016, Cortese_2020). These data do not allow any conclusion about variant significance. To our knowledge, no experimental evidence demonstrating an impact on protein function has been reported. ClinVar contains an entry for this variant (Variation ID: 448368). Based on the evidence outlined above, the variant was classified as uncertain significance.

Blueprint Genetics
Classification: Uncertain significance. Last evaluated: 2024-11-25. Review status: criteria provided, single submitter. Criteria: ACMG Guidelines, 2015. Collection method: clinical testing. Allele origin: germline.

Athena Diagnostics
Classification: Uncertain significance. Last evaluated: 2021-12-20. Review status: criteria provided, single submitter. Criteria: Athena Diagnostics Criteria. Collection method: clinical testing. Allele origin: unknown.

Fulgent Genetics
Classification: Uncertain significance for Charcot-Marie-Tooth disease type 4C; Susceptibility to mononeuropathy of the median nerve, mild. Last evaluated: 2021-08-24. Review status: criteria provided, single submitter. Criteria: ACMG Guidelines, 2015. Collection method: clinical testing. Allele origin: unknown.

GeneDx
Classification: Uncertain significance. Last evaluated: 2018-01-19. Review status: criteria provided, single submitter. Criteria: GeneDx Variant Classification (06012015). Collection method: clinical testing. Allele origin: germline. Affected: yes.
Comment: A variant of uncertain significance has been identified in the SH3TC2 gene. The H938Y variant has been reported previously with a R964X pathogenic variant in an individual with inherited peripheral neuropathy (LaÅ¡Å¡uthovÃ¡ et al., 2016). The H938Y variant is observed in 85/126638 (0.067%) alleles from individuals of European background in large population cohorts (Lek et al., 2016). The H938Y variant is a non-conservative amino acid substitution, which is likely to impact secondary protein structure as these residues differ in polarity, charge, size and/or other properties. However, in-silico analyses, including protein predictors and evolutionary conservation, support that this variant does not alter protein structure/function. Therefore, based on the currently available information, it is unclear whether this variant is a pathogenic variant or a rare benign variant.

Illumina Laboratory Services, Illumina
Classification: Uncertain significance for Susceptibility to mononeuropathy of the median nerve, mild. Last evaluated: 2018-01-13. Review status: criteria provided, single submitter. Criteria: ICSL Variant Classification Criteria 13 December 2019. Collection method: clinical testing. Allele origin: germline.

Illumina Laboratory Services, Illumina
Classification: Uncertain significance for Charcot-Marie-Tooth disease type 4C. Last evaluated: 2018-01-13. Review status: criteria provided, single submitter. Criteria: ICSL Variant Classification Criteria 13 December 2019. Collection method: clinical testing. Allele origin: germline.

Molecular Genetics Laboratory, London Health Sciences Centre
Classification: Uncertain significance for Charcot-Marie-Tooth disease. Review status: criteria provided, single submitter. Criteria: ACMG Guidelines, 2015. Collection method: clinical testing. Allele origin: germline. Affected: yes.

Literature cited by the submitters: PubMed 27549087 (cited by 3 submitters); PubMed 31827005 (cited by Mayo Clinic Laboratories, Mayo Clinic and Women's Health and Genetics/Laboratory Corporation of America, LabCorp); PubMed 32376792 (cited by Mayo Clinic Laboratories, Mayo Clinic and Athena Diagnostics); PubMed 38547040 (cited by Mayo Clinic Laboratories, Mayo Clinic).

NM_024577.4(SH3TC2):c.2812C>T (p.His938Tyr)

Gene: SH3TC2 (SH3 domain and tetratricopeptide repeats 2; minus strand). Cytogenetic location: 5q32.
Variant type: single nucleotide variant.
Coding change: c.2812C>T on transcript NM_024577.4 (MANE Select); coding-DNA position 2812, C replaced by T.
Protein change: p.His938Tyr; replaces histidine 938 with tyrosine.
Molecular consequence: missense variant.
Genome position (GRCh38, 1-based): chr5:149,026,920, G>A on the plus strand (C>T on the coding strand, the complement: SH3TC2 is on the minus strand). VCF-style: chr5-149026920-G-A. GRCh37 (hg19) VCF-style: chr5-148406483-G-A.
Other names: short protein forms H938Y.
Identifiers: ClinVar variation 448368 (VCV000448368.62), dbSNP rs144688852, ClinGen allele CA3498930.